The following is an entry in ClinVar:

NM_181741.4(ORC4):c.938C>G (p.Ser313Trp)

Gene: ORC4 (origin recognition complex subunit 4; minus strand). Cytogenetic location: 2q23.1.
Variant type: single nucleotide variant.
Coding change: c.938C>G on transcript NM_181741.4 (MANE Select); coding-DNA position 938, C replaced by G.
Protein change: p.Ser313Trp; replaces serine 313 with tryptophan.
Molecular consequence: missense variant.
Genome position (GRCh38, 1-based): chr2:147,939,160, G>C on the plus strand (C>G on the coding strand, the complement: ORC4 is on the minus strand). VCF-style: chr2-147939160-G-C. GRCh37 (hg19) VCF-style: chr2-148696729-G-C.
Other names: c.938C>G, p.Ser313Trp (NM_001190879.3, NM_001374270.1, NM_002552.5 and 1 more transcripts); c.686C>G, p.Ser229Trp (NM_001190881.3, NM_001374272.1); c.716C>G, p.Ser239Trp (NM_001190882.3); short protein forms S229W, S239W, S313W.
Identifiers: ClinVar variation 2134638 (VCV002134638.5), dbSNP rs752102540, ClinGen allele CA1899450.
Genomic context (GRCh38, chr2:147,939,160, plus strand): 5'-TTTAAAAACCACAATTTAAAAAATAAGGCTGGGTTCTCACCATGTACAATATTTGCTTTC[G>C]AGTCCATGCTACACAGTTGGCTTGCTTCCATTAGATCTACGGCAGTCATAAATGGGTGCG-3'
Protein context (NP_859525.1, residues 303-323): MEASQLCSMD[Ser313Trp]KANIVHGLSV

ClinVar aggregate classification (germline): Uncertain significance. Review status: criteria provided, multiple submitters, no conflicts (2 of 4 stars). 2 submissions from 2 submitters: Uncertain significance (2). Last evaluated 2025-08-07.

Conditions:
Inborn genetic diseases. Identifiers: MedGen C0950123, MeSH D030342.

Allele frequency attached by ClinVar (database versions not stated): ExAC 0.00001.
gnomAD v4.1: 3 of 1,607,968 alleles (0.00019%); highest among the groups gnomAD compares: South Asian, 0.0011%; no homozygotes.

Submissions (2):

Ambry Genetics
Classification: Uncertain significance for Inborn genetic diseases. Last evaluated: 2025-08-07. Review status: criteria provided, single submitter. Criteria: Ambry Variant Classification Scheme 2023. Collection method: clinical testing. Allele origin: germline.

Labcorp Genetics (formerly Invitae), Labcorp
Classification: Uncertain significance. Last evaluated: 2022-05-16. Review status: criteria provided, single submitter. Criteria: Invitae Variant Classification Sherloc (09022015). Collection method: clinical testing. Allele origin: germline.
Comment: This sequence change replaces serine, which is neutral and polar, with tryptophan, which is neutral and slightly polar, at codon 313 of the ORC4 protein (p.Ser313Trp). This variant is present in population databases (rs752102540, gnomAD 0.003%). This variant has not been reported in the literature in individuals affected with ORC4-related conditions. Algorithms developed to predict the effect of missense changes on protein structure and function are either unavailable or do not agree on the potential impact of this missense change (SIFT: "Deleterious"; PolyPhen-2: "Probably Damaging"; Align-GVGD: "Class C15"). In summary, the available evidence is currently insufficient to determine the role of this variant in disease. Therefore, it has been classified as a Variant of Uncertain Significance.